The following is an entry in ClinVar:

NM_002691.4(POLD1):c.206A>T (p.Gln69Leu)

Gene: POLD1 (DNA polymerase delta 1, catalytic subunit; plus strand). Cytogenetic location: 19q13.33.
Variant type: single nucleotide variant.
Coding change: c.206A>T on transcript NM_002691.4 (MANE Select); coding-DNA position 206, A replaced by T.
Protein change: p.Gln69Leu; replaces glutamine 69 with leucine.
Molecular consequence: missense variant. On other transcripts: non-coding transcript variant (1).
Genome position (GRCh38, 1-based): chr19:50,399,374, A>T. VCF-style: chr19-50399374-A-T. GRCh37 (hg19) VCF-style: chr19-50902631-A-T.
Other names: c.206A>T, p.Gln69Leu (NM_001256849.1, NM_001308632.1); short protein forms Q69L.
Identifiers: ClinVar variation 3421990 (VCV003421990.1).

ClinVar aggregate classification (germline): Uncertain significance (1 of 4 stars; one submission).

Conditions:
Hereditary cancer-predisposing syndrome. Also called: Neoplastic Syndromes, Hereditary; Tumor predisposition; Hereditary Cancer Syndrome; Hereditary neoplastic syndrome. Identifiers: Orphanet 140162, MedGen C0027672, MeSH D009386, MONDO:0015356.

Submission:

Ambry Genetics
Classification: Uncertain significance for Hereditary cancer-predisposing syndrome. Last evaluated: 2024-09-23. Review status: criteria provided, single submitter. Criteria: Ambry Variant Classification Scheme 2023. Collection method: clinical testing. Allele origin: germline.
Comment: The p.Q69L variant (also known as c.206A>T), located in coding exon 2 of the POLD1 gene, results from an A to T substitution at nucleotide position 206. The glutamine at codon 69 is replaced by leucine, an amino acid with dissimilar properties. This amino acid position is conserved. In addition, this alteration is predicted to be tolerated by in silico analysis. Based on the available evidence, the clinical significance of this variant remains unclear.